The following is an entry in ClinVar:

NM_016628.5(WAC):c.1875-1G>T

Gene: WAC (WW domain containing adaptor with coiled-coil; plus strand). Cytogenetic location: 10p12.1.
Variant type: single nucleotide variant.
Coding change: c.1875-1G>T on transcript NM_016628.5 (MANE Select); the canonical splice acceptor site of the intron before coding-DNA position 1875, G replaced by T.
Molecular consequence: splice acceptor variant.
Genome position (GRCh38, 1-based): chr10:28,619,536, G>T. VCF-style: chr10-28619536-G-T. GRCh37 (hg19) VCF-style: chr10-28908465-G-T.
Other names: c.1740-1G>T (NM_100264.3); c.1566-1G>T (NM_100486.4).
Identifiers: ClinVar variation 4999279 (VCV004999279.1).

ClinVar aggregate classification (germline): Uncertain significance (1 of 4 stars; one submission).

Conditions:
WAC-related disorder. Also called: WAC-related condition.

Submission:

PreventionGenetics, part of Exact Sciences
Classification: Uncertain significance for WAC-related condition. Last evaluated: 2026-03-19. Review status: criteria provided, single submitter. Criteria: ACMG Guidelines, 2015. Collection method: clinical testing. Allele origin: germline.
Comment: The WAC c.1875-1G>T variant is predicted to disrupt the AG splice acceptor site and interfere with normal splicing. To our knowledge, this variant has not been reported in the literature or in a large population database (gnomAD), indicating this variant is rare. At this time, the clinical significance of this variant is uncertain due to the absence of conclusive functional and genetic evidence.